The following is an entry in ClinVar:

ClinVar aggregate classification (germline): Likely benign (1 of 4 stars; one submission).

Allele frequency attached by ClinVar (database versions not stated): 1000 Genomes Project 30x 0.00172; 1000 Genomes Project 0.00180; ESP Exome Variant Server 0.00277; ExAC 0.00339.
gnomAD v4.1: 6,030 of 1,614,124 alleles (0.37%); highest among the groups gnomAD compares: South Asian, 0.72%; 22 homozygotes.

Submission:

CeGaT Center for Human Genetics Tuebingen
Classification: Likely benign. Last evaluated: 2024-12-01. Review status: criteria provided, single submitter. Criteria: CeGaT Center For Human Genetics Tuebingen Variant Classification Criteria Version 2. Collection method: clinical testing. Allele origin: germline. Affected: yes. Observed: 3 variant alleles.
Comment: ASTN1: BP4, BP7, BS2

NM_004319.3(ASTN1):c.3825G>A (p.Thr1275=)

Gene: ASTN1 (astrotactin 1; minus strand). Cytogenetic location: 1q25.2.
Variant type: single nucleotide variant.
Coding change: c.3825G>A on transcript NM_004319.3 (MANE Select); coding-DNA position 3825, G replaced by A.
Protein change: p.Thr1275=; no amino-acid change (threonine 1275 retained).
Molecular consequence: synonymous variant. On other transcripts: intron variant (1).
Genome position (GRCh38, 1-based): chr1:176,864,344, C>T on the plus strand (G>A on the coding strand, the complement: ASTN1 is on the minus strand). VCF-style: chr1-176864344-C-T. GRCh37 (hg19) VCF-style: chr1-176833480-C-T.
Other names: c.3849G>A, p.Thr1283= (NM_001364856.2); c.3647+4500G>A (NM_001286164.2).
Identifiers: ClinVar variation 2639586 (VCV002639586.24), dbSNP rs144824957, ClinGen allele CA1258450.